The following is an entry in ClinVar:

NM_000642.3(AGL):c.3439A>T (p.Arg1147Ter)

Gene: AGL (amylo-alpha-1,6-glucosidase and 4-alpha-glucanotransferase; plus strand). Cytogenetic location: 1p21.2.
Variant type: single nucleotide variant.
Coding change: c.3439A>T on transcript NM_000642.3 (MANE Select); coding-DNA position 3439, A replaced by T.
Protein change: p.Arg1147Ter; replaces arginine 1147 with a stop codon.
Molecular consequence: nonsense.
Genome position (GRCh38, 1-based): chr1:99,900,712, A>T. VCF-style: chr1-99900712-A-T. GRCh37 (hg19) VCF-style: chr1-100366268-A-T.
Other names: c.3439A>T, p.Arg1147Ter (NM_000028.3, NM_000643.3, NM_000644.3 and 1 more transcripts); c.3391A>T, p.Arg1131Ter (NM_000646.3); c.3418A>T, p.Arg1140Ter (NM_001425326.1); c.3238A>T, p.Arg1080Ter (NM_001425327.1); c.3235A>T, p.Arg1079Ter (NM_001425328.1); c.3100A>T, p.Arg1034Ter (NM_001425329.1); c.3061A>T, p.Arg1021Ter (NM_001425332.1); short protein forms R1131*, R1147*, R1021*, R1034*, R1079*, R1080*, R1140*.
Identifiers: ClinVar variation 1120082 (VCV001120082.4), dbSNP rs267606639, ClinGen allele CA341331218.

ClinVar aggregate classification (germline): Likely pathogenic (1 of 4 stars; one submission).

Conditions:
Glycogen storage disease type III (GSD3). Also called: Cori disease; FORBES DISEASE. Identifiers: Orphanet 366, MedGen C0017922, MONDO:0009291, OMIM 232400.

Submission:

Laboratory for Molecular Medicine, Mass General Brigham Personalized Medicine
Classification: Likely pathogenic for Glycogen storage disease type III. Last evaluated: 2020-06-25. Review status: criteria provided, single submitter. Criteria: LMM Criteria. Collection method: clinical testing. Allele origin: germline. Inheritance: Autosomal recessive inheritance. Observed: 1 variant allele.
Comment: The p.Arg1147X variant in AGL has not been reported in individuals with glycogen storage disease or in large population studies. This nonsense variant leads to a premature termination codon at position 1147, which is predicted to lead to a truncated or absent protein. Loss of function variants in the AGL gene have been strongly associated with autosomal recessive glycogen storage disease type III. In summary, although additional studies are required to fully establish its clinical significance, this variant meets criteria to be classified as likely pathogenic for autosomal recessive glycogen storage disease type III. ACMG/AMP Criteria applied: PM2, PVS1.